The following is an entry in ClinVar:

NM_000257.4(MYH7):c.4042G>A (p.Glu1348Lys)

Gene: MYH7 (myosin heavy chain 7; minus strand). Cytogenetic location: 14q11.2.
Variant type: single nucleotide variant.
Coding change: c.4042G>A on transcript NM_000257.4 (MANE Select); coding-DNA position 4042, G replaced by A.
Protein change: p.Glu1348Lys; replaces glutamic acid 1348 with lysine.
Molecular consequence: missense variant.
Genome position (GRCh38, 1-based): chr14:23,418,337, C>T on the plus strand (G>A on the coding strand, the complement: MYH7 is on the minus strand). VCF-style: chr14-23418337-C-T. GRCh37 (hg19) VCF-style: chr14-23887546-C-T.
Other names: short protein forms E1348K.
Identifiers: ClinVar variation 524974 (VCV000524974.27), dbSNP rs1275262402, ClinGen allele CA389041136.

ClinVar aggregate classification (germline): Uncertain significance. Review status: criteria provided, multiple submitters, no conflicts (2 of 4 stars). 5 submissions from 5 submitters: Uncertain significance (5). Last evaluated 2025-08-11.

Conditions:
Hypertrophic cardiomyopathy 1 (CMH1). Also called: MYH7-Related Familial Hypertrophic Cardiomyopathy; Familial hypertrophic cardiomyopathy 1. Identifiers: MedGen C3495498, MONDO:0008647, OMIM 192600.
Myopathy, myosin storage, autosomal recessive (CMYO7B). Also called: CONGENITAL MYOPATHY 7B, MYOSIN STORAGE, AUTOSOMAL RECESSIVE. Identifiers: Orphanet 636970, MedGen C1850709, MONDO:0009708, OMIM 255160.
Myosin storage myopathy (CMYO7A). Also called: MYOPATHY WITH LYSIS OF TYPE I MYOFIBRILS; MYH7-related late-onset scapuloperoneal muscular dystrophy; Congenital myopathy 7A, myosin storage, autosomal dominant; SCAPULOPERONEAL SYNDROME, MYOPATHIC TYPE; SCAPULOPERONEAL MUSCULAR DYSTROPHY; Scapuloperoneal myopathy, MYH7-related. Identifiers: Orphanet 437572, Orphanet 636965, MedGen C1842160, MONDO:0008409, OMIM 608358.
MYH7-related skeletal myopathy. Also called: Laing distal myopathy; Laing early-onset distal myopathy; Myopathy, distal, 1; MYOPATHY, DISTAL, EARLY-ONSET, AUTOSOMAL DOMINANT; MYOPATHY, LATE DISTAL HEREDITARY. Identifiers: Orphanet 59135, MedGen C4552004, MONDO:0008050, OMIM 160500.
Congenital myopathy with fiber type disproportion. Also called: Congenital fiber-type disproportion myopathy; Congenital fiber-type disproportion. Identifiers: Orphanet 2020, MedGen C0546264, MONDO:0009711. Inheritance: all.
Dilated cardiomyopathy 1S (CMD1S). Identifiers: Orphanet 154, Orphanet 54260, MedGen C1834481, MONDO:0013262, OMIM 613426.
Cardiomyopathy (CMYO). Also called: Cardiomyopathies. Identifiers: Orphanet 167848, MedGen C0878544, MONDO:0004994, HP:0001638. Inheritance: Various modes of inheritance.
Hypertrophic cardiomyopathy. Also called: HYPERTROPHIC MYOCARDIOPATHY. Identifiers: Orphanet 217569, MedGen C0007194, MeSH D002312, MONDO:0005045, HP:0001639.

Allele frequency attached by ClinVar (database versions not stated): gnomAD 0.00001; gnomAD exomes 0.00001; TOPMed 0.00003.
gnomAD v4.1: 11 of 1,613,842 alleles (0.00068%); highest among the groups gnomAD compares: East Asian, 0.0022%; no homozygotes.

Submissions (5):

Labcorp Genetics (formerly Invitae), Labcorp
Classification: Uncertain significance for Hypertrophic cardiomyopathy. Last evaluated: 2025-08-11. Review status: criteria provided, single submitter. Criteria: Invitae Variant Classification Sherloc (09022015). Collection method: clinical testing. Allele origin: germline.
Comment: This sequence change replaces glutamic acid, which is acidic and polar, with lysine, which is basic and polar, at codon 1348 of the MYH7 protein (p.Glu1348Lys). This variant is present in population databases (no rsID available, gnomAD 0.01%). This missense change has been observed in individual(s) with hypertrophic cardiomyopathy, left ventricular noncompaction cardiomyopathy (PMID: 25132132, 34036930, 36264615). ClinVar contains an entry for this variant (Variation ID: 524974). Invitae Evidence Modeling of protein sequence and biophysical properties (such as structural, functional, and spatial information, amino acid conservation, physicochemical variation, residue mobility, and thermodynamic stability) indicates that this missense variant is expected to disrupt MYH7 protein function with a positive predictive value of 95%. In summary, the available evidence is currently insufficient to determine the role of this variant in disease. Therefore, it has been classified as a Variant of Uncertain Significance.

CeGaT Center for Human Genetics Tuebingen
Classification: Uncertain significance. Last evaluated: 2025-05-01. Review status: criteria provided, single submitter. Criteria: CeGaT Center For Human Genetics Tuebingen Variant Classification Criteria Version 2. Collection method: clinical testing. Allele origin: germline. Affected: yes. Observed: 1 variant allele.
Comment: MYH7: PP3

Fulgent Genetics
Classification: Uncertain significance for MYH7-related skeletal myopathy; Myosin storage myopathy; Hypertrophic cardiomyopathy 1; Myopathy, myosin storage, autosomal recessive; Congenital myopathy 4A, autosomal dominant; Dilated cardiomyopathy 1S. Last evaluated: 2021-10-19. Review status: criteria provided, single submitter. Criteria: ACMG Guidelines, 2015. Collection method: clinical testing. Allele origin: unknown.

GeneDx
Classification: Uncertain significance. Last evaluated: 2019-11-21. Review status: criteria provided, single submitter. Criteria: GeneDx Variant Classification Process June 2021. Collection method: clinical testing. Allele origin: germline. Affected: yes.
Comment: Not observed at a significant frequency in large population cohorts (Lek et al., 2016); In silico analysis, which includes protein predictors and evolutionary conservation, supports a deleterious effect; This variant is associated with the following publications: (PMID: 29540472, 25132132)

Color Diagnostics, LLC DBA Color Health
Classification: Uncertain significance for Cardiomyopathy. Last evaluated: 2019-06-08. Review status: criteria provided, single submitter. Criteria: ACMG Guidelines, 2015. Collection method: clinical testing. Allele origin: germline.
Comment: This missense variant replaces glutamic acid with lysine at codon 1348 of the MYH7 protein. Computational prediction tools and conservation analyses suggest that this variant may have deleterious impact on the protein function. Computational splicing tools suggest that this variant may not impact RNA splicing. To our knowledge, functional assays have not been performed for this variant. This variant has been reported in an individual affected with hypertrophic cardiomyopathy (PMID: 25132132). This variant has also been identified in 1/31400 chromosomes in the general population by the Genome Aggregation Database (gnomAD). Available evidence is insufficient to determine the role of this variant in disease conclusively. Therefore, this variant is classified as a Variant of Uncertain Significance.

Literature cited by the submitters: PubMed 25132132 (cited by Labcorp Genetics (formerly Invitae), Labcorp); PubMed 34036930 (cited by Labcorp Genetics (formerly Invitae), Labcorp); PubMed 36264615 (cited by Labcorp Genetics (formerly Invitae), Labcorp).